The following continues an entry in ClinVar:

NM_000059.4(BRCA2):c.3326C>T (p.Ala1109Val)

Gene: BRCA2. ClinVar aggregate classification (germline): Conflicting classifications of pathogenicity. Uncertain significance (6); Likely benign (5).

Submissions 8 to 14 of 14:

ARUP Laboratories, Molecular Genetics and Genomics, ARUP Laboratories
Classification: Uncertain significance. Last evaluated: 2020-07-05. Review status: criteria provided, single submitter. Criteria: ARUP Molecular Germline Variant Investigation Process. Collection method: clinical testing. Allele origin: germline.
Comment: The BRCA2 c.3326C>T; p.Ala1109Val variant (rs41293479) is reported in the literature in several individuals with a personal or family history of breast/ovarian cancer or head/neck cancer, though it was not demonstrated to be disease-causing in these individuals (Chandrasekharappa 2017, Couch 2015, Lu 2012). This variant is found on nine chromosomes (9/267698 alleles) in the Genome Aggregation Database. The alanine at codon 1109 is highly conserved and computational analyses (SIFT, PolyPhen-2) predict that this variant is deleterious, although a multifactorial likelihood analysis suggested this variant has a low probability of being disease-causing (Parsons 2019). Still, functional studies of this variant indicated slightly reduced interaction with a binding partner and moderately reduced activity in an assay of homology-directed repair (Brough 2012). In addition, computational analyses (Alamut v.2.11) predict that this variant may impact splicing by creating a cryptic donor splice site, although RNA studies in one patient suggested no effect on splicing (Baert 2018). Due to limited and conflicting information, the clinical significance of the p.Ala1109Val variant is uncertain at this time. References: Baert A et al. Thorough in silico and in vitro cDNA analysis of 21 putative BRCA1 and BRCA2 splice variants and a complex tandem duplication in BRCA2 allowing the identification of activated cryptic splice donor sites in BRCA2 exon 11. Hum Mutat. 2018;39(4):515-526. Brough R et al. APRIN is a cell cycle specific BRCA2-interacting protein required for genome integrity and a predictor of outcome after chemotherapy in breast cancer. EMBO J. 2012;31(5):1160-1176. Chandrasekharappa SC et al. Assessing the spectrum of germline variation in Fanconi anemia genes among patients with head and neck carcinoma before age 50. Cancer. 2017;123(20):3943-3954. Couch FJ et al. Inherited mutations in 17 breast cancer susceptibility genes among a large triple-negative breast cancer cohort unselected for family history of breast cancer. J Clin Oncol. 2015;33(4):304-311. Lu W et al. Mutation screening of RAD51C in high-risk breast and ovarian cancer families. Fam Cancer. 2012;11(3):381-385. Parsons MT et al. Large scale multifactorial likelihood quantitative analysis of BRCA1 and BRCA2 variants: An ENIGMA resource to support clinical variant classification. Hum Mutat. 2019;40(9):1557-1578.

Ambry Genetics
Classification: Likely benign for Hereditary cancer-predisposing syndrome. Last evaluated: 2019-01-09. Review status: criteria provided, single submitter. Criteria: Ambry Variant Classification Scheme 2023. Collection method: clinical testing. Allele origin: germline.

PreventionGenetics, part of Exact Sciences
Classification: Uncertain significance. Last evaluated: 2017-11-08. Review status: criteria provided, single submitter. Criteria: ACMG Guidelines, 2015. Collection method: clinical testing. Allele origin: germline.

Color Diagnostics, LLC DBA Color Health
Classification: Likely benign for Hereditary cancer-predisposing syndrome. Last evaluated: 2017-09-14. Review status: criteria provided, single submitter. Criteria: ACMG Guidelines, 2015. Collection method: clinical testing. Allele origin: germline.

Sharing Clinical Reports Project (SCRP)
Classification: Likely benign for Breast-ovarian cancer, familial 2. Last evaluated: 2012-11-27. Review status: no assertion criteria provided. Collection method: clinical testing. Allele origin: germline. Not counted in ClinVar's aggregate classification.

Breast Cancer Information Core (BIC) (BRCA2)
Classification: Uncertain significance for Breast-ovarian cancer, familial 2. Last evaluated: 2002-05-29. Review status: no assertion criteria provided. Collection method: clinical testing. Allele origin: germline. Affected: yes. Observed: 3 variant alleles. Not counted in ClinVar's aggregate classification.

Dr. Peter K. Rogan Lab, Western University
No classification provided (evidence only). Condition: Cervical cancer. Review status: no classification provided. Collection method: in vitro. Allele origin: not applicable. Functional consequence: retained intron. Not counted in ClinVar's aggregate classification.

Literature cited by the submitters: PubMed 22476429 (cited by 3 submitters); PubMed 24817641 (cited by Women's Health and Genetics/Laboratory Corporation of America, LabCorp); PubMed 22293751 (cited by 3 submitters); PubMed 25452441 (cited by 3 submitters); PubMed 28678401 (cited by 3 submitters); PubMed 29280214 (cited by 3 submitters); PubMed 31131967 (cited by Women's Health and Genetics/Laboratory Corporation of America, LabCorp and Quest Diagnostics Nichols Institute San Juan Capistrano); PubMed 31112341 (cited by Women's Health and Genetics/Laboratory Corporation of America, LabCorp and Quest Diagnostics Nichols Institute San Juan Capistrano); PubMed 31294896 (cited by Women's Health and Genetics/Laboratory Corporation of America, LabCorp and Quest Diagnostics Nichols Institute San Juan Capistrano); PubMed 33471991 (cited by 3 submitters); PubMed 31911673 (cited by Quest Diagnostics Nichols Institute San Juan Capistrano).